The following is an entry in ClinVar:

ClinVar aggregate classification (germline): Pathogenic. Review status: criteria provided, multiple submitters, no conflicts (2 of 4 stars). 8 submissions from 8 submitters: Pathogenic (7). 1 of the submissions does not count toward it. Last evaluated 2025-06-09.

Conditions:
Lynch syndrome. Identifiers: Orphanet 144, MedGen C4552100, MONDO:0005835. Disease mechanism: loss of function.
Mismatch repair cancer syndrome 3. Identifiers: MedGen C5436807, MONDO:0030841, OMIM 619097.
Gastric cancer. Also called: Malignant tumor of stomach; Stomach cancer. Identifiers: MedGen C0024623, MeSH D013274, MONDO:0001056, OMIM 613659, HP:0012126.
Hereditary nonpolyposis colon cancer (HNPCC). Also called: Hereditary Nonpolyposis Colorectal Cancer Syndrome; Hereditary nonpolyposis colorectal cancer; Familial nonpolyposis colon cancer. Identifiers: Orphanet 443909, MedGen C1333990, MONDO:0018630. Disease mechanism: loss of function.
Hereditary nonpolyposis colorectal neoplasms. Identifiers: MedGen C0009405, MeSH D003123.
Endometrial carcinoma. Also called: Endometrial carcinoma, somatic. Identifiers: MedGen C0476089, MONDO:0002447, OMIM 608089, HP:0012114.
Lynch syndrome 5 (LYNCH5). Also called: Hereditary non-polyposis colorectal cancer, type 5; Colorectal cancer, hereditary nonpolyposis, type 5. Identifiers: Orphanet 144, MedGen C1833477, MONDO:0013710, OMIM 614350. Disease mechanism: loss of function.
Hereditary cancer-predisposing syndrome. Also called: Neoplastic Syndromes, Hereditary; Hereditary Cancer Syndrome; Hereditary neoplastic syndrome; Tumor predisposition. Identifiers: Orphanet 140162, MedGen C0027672, MeSH D009386, MONDO:0015356.

Allele frequency attached by ClinVar (database versions not stated): TOPMed below 0.00001.
gnomAD v4.1: 3 of 1,613,394 alleles (0.00019%); highest among the groups gnomAD compares: Non-Finnish European, 0.00025%; no homozygotes.

Submissions (8):

Women's Health and Genetics/Laboratory Corporation of America, LabCorp
Classification: Pathogenic for Hereditary nonpolyposis colon cancer. Last evaluated: 2025-06-09. Review status: criteria provided, single submitter. Criteria: LabCorp Variant Classification Summary - May 2015. Collection method: clinical testing. Allele origin: germline.
Comment: Variant summary: MSH6 c.2550C>G (p.Tyr850X) results in a premature termination codon, predicted to cause absence of the protein due to nonsense mediated decay, which is a commonly known mechanism for disease. The variant was absent in 249048 control chromosomes (gnomAD). c.2550C>G has been observed in an individual affected with prostate cancer (Nguyen-Dumont_2021). The following publication has been ascertained in the context of this evaluation (PMID: 33804961). ClinVar contains an entry for this variant (Variation ID: 410471). Based on the evidence outlined above, the variant was classified as pathogenic.

All of Us Research Program, National Institutes of Health
Classification: Pathogenic for Lynch syndrome. Last evaluated: 2024-06-09. Review status: criteria provided, single submitter. Criteria: ACMG Guidelines, 2015. Collection method: clinical testing. Allele origin: germline. Inheritance: Autosomal dominant inheritance. Observed: 2 variant alleles, 2 heterozygotes.
Comment: The c.2550C>G (p.Tyr850*) variant in the MSH6 gene is located on the exon 4 and introduces a premature translation termination codon (p.Tyr850*), resulting in an absent or disrupted protein product. Alternative variant causing protein truncation at the same position (c.2550C>A, p.Tyr850*, ClinVar ID: 186657) has been reported in 2 individuals with Lynch syndrome-associated cancer (PMID: 28514183). Loss-of-function variants of MSH6 are known to be pathogenic and frameshift/truncating variants located upstream and downstream to this position have been reported in individuals with Lynch syndrome-associated cancers (PMID: 30376427, 18269114, 29345684). The variant is reported in ClinVar (ID: 410471). The variant is absent in the general population database (gnomAD). Therefore, the c.2550C>G (p.Tyr850*) variant of MSH6 has been classified as pathogenic.

This study involves interpretation of variants in research participants for the purpose of population health screening. Participant phenotype was not available at the time of variant classification. Additional details can be found in publication PMID: 35346344, PMCID: PMC8962531

Color Diagnostics, LLC DBA Color Health
Classification: Pathogenic for Hereditary cancer-predisposing syndrome. Last evaluated: 2024-02-05. Review status: criteria provided, single submitter. Criteria: ACMG Guidelines, 2015. Collection method: clinical testing. Allele origin: germline.
Comment: This variant changes 1 nucleotide in exon 4 of the MSH6 gene, creating a premature translation stop signal. This variant is expected to result in an absent or non-functional protein product. To our knowledge, this variant has not been reported in individuals affected with MSH6-related disorders in the literature. This variant has not been identified in the general population by the Genome Aggregation Database (gnomAD). Loss of MSH6 function is a known mechanism of disease. Based on the available evidence, this variant is classified as Pathogenic.

Ambry Genetics
Classification: Pathogenic for Hereditary cancer-predisposing syndrome. Last evaluated: 2023-11-29. Review status: criteria provided, single submitter. Criteria: Ambry Variant Classification Scheme 2023. Collection method: clinical testing. Allele origin: germline.
Comment: The p.Y850* pathogenic mutation (also known as c.2550C>G), located in coding exon 4 of the MSH6 gene, results from a C to G substitution at nucleotide position 2550. This changes the amino acid from a tyrosine to a stop codon within coding exon 4. A different alteration resulting in the same stop codon (c.2550C>A) has been reported in 2 individuals from a cohort of individuals undergoing multigene panel testing (Espenschied CR et al. J. Clin. Oncol., 2017 Aug;35:2568-2575). This variant is considered to be rare based on population cohorts in the Genome Aggregation Database (gnomAD). In addition to the clinical data presented in the literature, this alteration is expected to result in loss of function by premature protein truncation or nonsense-mediated mRNA decay. As such, this alteration is interpreted as a disease-causing mutation.

Myriad Genetics, Inc.
Classification: Pathogenic for Lynch syndrome 5. Last evaluated: 2023-08-17. Review status: criteria provided, single submitter. Criteria: Myriad Autosomal Dominant, Autosomal Recessive and X-Linked Classification Criteria (2023). Collection method: clinical testing. Allele origin: unknown.
Comment: This variant is considered pathogenic. This variant creates a termination codon and is predicted to result in premature protein truncation.

Labcorp Genetics (formerly Invitae), Labcorp
Classification: Pathogenic for Hereditary nonpolyposis colorectal neoplasms. Last evaluated: 2022-07-23. Review status: criteria provided, single submitter. Criteria: Invitae Variant Classification Sherloc (09022015). Collection method: clinical testing. Allele origin: germline.
Comment: For these reasons, this variant has been classified as Pathogenic. ClinVar contains an entry for this variant (Variation ID: 410471). This variant has not been reported in the literature in individuals affected with MSH6-related conditions. This variant is not present in population databases (gnomAD no frequency). This sequence change creates a premature translational stop signal (p.Tyr850*) in the MSH6 gene. It is expected to result in an absent or disrupted protein product. Loss-of-function variants in MSH6 are known to be pathogenic (PMID: 18269114, 24362816).

Department of Pathology and Laboratory Medicine, Sinai Health System
Classification: Pathogenic for Endometrial carcinoma; Lynch syndrome 5. Last evaluated: 2020-03-20. Review status: criteria provided, single submitter. Criteria: ACMG Guidelines, 2015. Collection method: clinical testing. Allele origin: germline. Affected: yes.

Laboratory for Genotyping Development, RIKEN
Classification: Pathogenic for Gastric cancer. Last evaluated: 2021-07-01. Review status: no assertion criteria provided. Collection method: research. Allele origin: germline. Not counted in ClinVar's aggregate classification.

Literature cited by the submitters: PubMed 33804961 (cited by Women's Health and Genetics/Laboratory Corporation of America, LabCorp); PubMed 18269114 (cited by All of Us Research Program, National Institutes of Health and Labcorp Genetics (formerly Invitae), Labcorp); PubMed 28514183 (cited by All of Us Research Program, National Institutes of Health and Ambry Genetics); PubMed 29345684 (cited by All of Us Research Program, National Institutes of Health); PubMed 30376427 (cited by All of Us Research Program, National Institutes of Health); PubMed 24362816 (cited by Labcorp Genetics (formerly Invitae), Labcorp); PubMed 36988593 (cited by Laboratory for Genotyping Development, RIKEN).

NM_000179.3(MSH6):c.2550C>G (p.Tyr850Ter)

Gene: MSH6 (mutS homolog 6; plus strand). Cytogenetic location: 2p16.3.
Variant type: single nucleotide variant.
Coding change: c.2550C>G on transcript NM_000179.3 (MANE Select); coding-DNA position 2550, C replaced by G.
Protein change: p.Tyr850Ter; replaces tyrosine 850 with a stop codon.
Molecular consequence: nonsense.
Genome position (GRCh38, 1-based): chr2:47,800,533, C>G. VCF-style: chr2-47800533-C-G. GRCh37 (hg19) VCF-style: chr2-48027672-C-G.
Other names: c.2160C>G, p.Tyr720Ter (NM_001281492.2); c.1644C>G, p.Tyr548Ter (NM_001281493.2, NM_001281494.2); short protein forms Y850*, Y548*, Y720*.
Identifiers: ClinVar variation 410471 (VCV000410471.41), dbSNP rs374230313, ClinGen allele CA16611011.